The following is an entry in ClinVar:

NM_015570.4(AUTS2):c.1528C>T (p.Arg510Cys)

Gene: AUTS2 (activator of transcription and developmental regulator AUTS2; plus strand). Cytogenetic location: 7q11.22.
Variant type: single nucleotide variant.
Coding change: c.1528C>T on transcript NM_015570.4 (MANE Select); coding-DNA position 1528, C replaced by T.
Protein change: p.Arg510Cys; replaces arginine 510 with cysteine.
Molecular consequence: missense variant.
Genome position (GRCh38, 1-based): chr7:70,766,173, C>T. VCF-style: chr7-70766173-C-T. GRCh37 (hg19) VCF-style: chr7-70231159-C-T.
Other names: c.1528C>T, p.Arg510Cys (NM_001127231.3); short protein forms R510C.
Identifiers: ClinVar variation 2632102 (VCV002632102.1), dbSNP rs930597957, ClinGen allele CA160025947.
Genomic context (GRCh38, chr7:70,766,173, plus strand): 5'-GAGCAAGACATCTTGCGACAGGAACTGAACACTCGTTTTTTGGCCTCTCAGAGTGCTGAC[C>T]GCGGGGCTTCCCTGGGCCCTCCGCCCTACCTGCGGACCGAGTTCCATCAGCACCAGCACC-3'
Protein context (NP_056385.1, residues 500-520): TRFLASQSAD[Arg510Cys]GASLGPPPYL

ClinVar aggregate classification (germline): Uncertain significance (1 of 4 stars; one submission).

Conditions:
AUTS2-related disorder. Also called: AUTS2-related condition.

Allele frequency attached by ClinVar (database versions not stated): gnomAD exomes 0.00001; gnomAD 0.00003.
gnomAD v4.1: 15 of 1,614,046 alleles (0.00093%); highest among the groups gnomAD compares: African/African-American, 0.008%; no homozygotes.

Submission:

PreventionGenetics, part of Exact Sciences
Classification: Uncertain significance for AUTS2-related condition. Last evaluated: 2023-06-07. Review status: criteria provided, single submitter. Criteria: ACMG Guidelines, 2015. Collection method: clinical testing. Allele origin: germline.
Comment: The AUTS2 c.1528C>T variant is predicted to result in the amino acid substitution p.Arg510Cys. To our knowledge, this variant has not been reported in the literature. This variant is reported in 0.0062% of alleles in individuals of African descent in gnomAD. At this time, the clinical significance of this variant is uncertain due to the absence of conclusive functional and genetic evidence.